The following is an entry in ClinVar:

NM_182972.3(IRF2BP2):c.342G>C (p.Leu114Phe)

Genes: IRF2BP2 (interferon regulatory factor 2 binding protein 2; minus strand), LOC129932812 (ATAC-STARR-seq lymphoblastoid silent region 1977; plus strand). Cytogenetic location: 1q42.3.
Variant type: single nucleotide variant.
Coding change: c.342G>C on transcript NM_182972.3 (MANE Select); coding-DNA position 342, G replaced by C.
Protein change: p.Leu114Phe; replaces leucine 114 with phenylalanine.
Molecular consequence: missense variant.
Genome position (GRCh38, 1-based): chr1:234,609,153, C>G on the plus strand (G>C on the coding strand, the complement: IRF2BP2 is on the minus strand). VCF-style: chr1-234609153-C-G. GRCh37 (hg19) VCF-style: chr1-234744899-C-G.
Other names: c.342G>C, p.Leu114Phe (NM_001077397.1); short protein forms L114F.
Identifiers: ClinVar variation 4691371 (VCV004691371.1).

ClinVar aggregate classification (germline): Uncertain significance (1 of 4 stars; one submission).

Submission:

Labcorp Genetics (formerly Invitae), Labcorp
Classification: Uncertain significance. Last evaluated: 2025-05-19. Review status: criteria provided, single submitter. Criteria: Invitae Variant Classification Sherloc (09022015). Collection method: clinical testing. Allele origin: germline.
Comment: This sequence change replaces leucine, which is neutral and non-polar, with phenylalanine, which is neutral and non-polar, at codon 114 of the IRF2BP2 protein (p.Leu114Phe). This variant is not present in population databases (gnomAD no frequency). This variant has not been reported in the literature in individuals affected with IRF2BP2-related conditions. An algorithm developed to predict the effect of missense changes on protein structure and function (PolyPhen-2) suggests that this variant is likely to be tolerated. In summary, the available evidence is currently insufficient to determine the role of this variant in disease. Therefore, it has been classified as a Variant of Uncertain Significance.